The following is an entry in ClinVar:

NM_002456.6(MUC1):c.468C>T (p.Asp156=)

Gene: MUC1 (mucin 1, cell surface associated; minus strand). Cytogenetic location: 1q22.
Variant type: single nucleotide variant.
Coding change: c.468C>T on transcript NM_002456.6; coding-DNA position 468, C replaced by T.
Protein change: p.Asp156=; no amino-acid change (aspartic acid 156 retained).
Molecular consequence: synonymous variant. On other transcripts: intron variant (7).
Genome position (GRCh38, 1-based): chr1:155,187,729, G>A on the plus strand (C>T on the coding strand, the complement: MUC1 is on the minus strand). VCF-style: chr1-155187729-G-A. GRCh37 (hg19) VCF-style: chr1-155160205-G-A.
Other names: c.441C>T, p.Asp147= (NM_001018016.3, NM_001204288.2); c.414C>T, p.Asp138= (NM_001018017.3); c.1074C>T, p.Asp358= (NM_001204285.2); c.1101C>T, p.Asp367= (NM_001204286.1); c.495C>T, p.Asp165= (NM_001204287.2); c.363C>T, p.Asp121= (NM_001204289.2); c.300C>T, p.Asp100= (NM_001204290.2); c.372C>T, p.Asp124= (NM_001204291.1); and 11 more.
Identifiers: ClinVar variation 3036365 (VCV003036365.7), dbSNP rs781731301, ClinGen allele CA1139400.

ClinVar aggregate classification (germline): Likely benign. Review status: criteria provided, single submitter (1 of 4 stars). 2 submissions from 2 submitters: Likely benign (1). 1 of the submissions does not count toward it. Last evaluated 2025-12-01.

Conditions:
MUC1-related disorder. Also called: MUC1-related condition.

Allele frequency attached by ClinVar (database versions not stated): TOPMed 0.00007.

Submissions (2):

CeGaT Center for Human Genetics Tuebingen
Classification: Likely benign. Last evaluated: 2025-12-01. Review status: criteria provided, single submitter. Criteria: CeGaT Center For Human Genetics Tuebingen Variant Classification Criteria Version 2. Collection method: clinical testing. Allele origin: germline. Affected: yes. Observed: 1 variant allele.
Comment: MUC1: BP4, BP7

PreventionGenetics, part of Exact Sciences
Classification: Likely benign for MUC1-related condition. Last evaluated: 2021-03-26. Review status: no assertion criteria provided. Collection method: clinical testing. Allele origin: germline. Not counted in ClinVar's aggregate classification.
Comment: This variant is classified as likely benign based on ACMG/AMP sequence variant interpretation guidelines (Richards et al. 2015 PMID: 25741868, with internal and published modifications).